The following is an entry in ClinVar:

ClinVar aggregate classification (germline): Likely pathogenic. Review status: reviewed by expert panel (3 of 4 stars). 3 submissions from 3 submitters: Likely pathogenic (1). 2 of the submissions do not count toward it. Last evaluated 2022-01-22.

Conditions:
Hereditary thrombocytopenia and hematologic cancer predisposition syndrome. Identifiers: Orphanet 71290, MedGen CN281654, MONDO:0011071.
Clonal Cytopenia of Undetermined Significance. Identifiers: MedGen C5442191.
Pancytopenia. Identifiers: MedGen C0030312, MONDO:0001529, HP:0001876.

Submissions (3):

ClinGen Myeloid Malignancy Variant Curation Expert Panel
Classification: Likely pathogenic for Hereditary thrombocytopenia and hematologic cancer predisposition syndrome. Last evaluated: 2022-01-22. Review status: reviewed by expert panel. Criteria: ClinGen MyeloMalig ACMG Specifications v2. Collection method: curation. Allele origin: germline. Inheritance: Autosomal dominant inheritance.
Comment: This variant NM_001754.5(RUNX1):c.502G>T (p.Gly168Ter) is a nonsense variant predicted to undergo NMD (PVS1). This variant is completely absent from all population databases with at least 20x coverage for RUNX1 (PM2_supporting). In summary, this variant meets criteria to be classified as likely pathogenic. ACMG/AMP criteria applied, as specified by the Myeloid Malignancy Variant Curation Expert Panel for RUNX1: PVS1 and PM2_supporting.

NIHR Bioresource Rare Diseases, University of Cambridge
Classification: Likely pathogenic for Pancytopenia. Last evaluated: 2019-02-01. Review status: criteria provided, single submitter. Criteria: ACMG Guidelines, 2015. Collection method: research. Allele origin: unknown. Affected: yes. Observed: 1 heterozygote. Study: ThromboGenomics. Not counted in ClinVar's aggregate classification.

Molecular Genetic Pathology Unit, University Of Rochester Medical Center
Classification: Pathogenic for Clonal Cytopenia of Undetermined Significance. Review status: no assertion criteria provided. Collection method: clinical testing. Allele origin: somatic. Not counted in ClinVar's aggregate classification.

Literature cited by the submitters: PubMed 31064749 (cited by NIHR Bioresource Rare Diseases, University of Cambridge).

NM_001754.5(RUNX1):c.502G>T (p.Gly168Ter)

Genes: RUNX1 (RUNX family transcription factor 1; minus strand), RUNX1-AS1 (RUNX1 antisense RNA 1; plus strand). Cytogenetic location: 21q22.12.
Variant type: single nucleotide variant.
Coding change: c.502G>T on transcript NM_001754.5 (MANE Select); coding-DNA position 502, G replaced by T.
Protein change: p.Gly168Ter; replaces glycine 168 with a stop codon.
Molecular consequence: nonsense.
Genome position (GRCh38, 1-based): chr21:34,880,563, C>A on the plus strand (G>T on the coding strand, the complement: RUNX1 is on the minus strand). VCF-style: chr21-34880563-C-A. GRCh37 (hg19) VCF-style: chr21-36252860-C-A.
Other names: NM_001754.5(RUNX1):c.502G>T; p.Gly168Ter; c.421G>T, p.Gly141Ter (NM_001001890.3, NM_001122607.2); short protein forms G168*, G141*.
Identifiers: ClinVar variation 627081 (VCV000627081.5), dbSNP rs1569078784, ClinGen allele CA410202477.